The following is an entry in ClinVar:

ClinVar aggregate classification (germline): Uncertain significance (1 of 4 stars; one submission).

Submission:

GeneDx
Classification: Uncertain significance. Last evaluated: 2026-02-06. Review status: criteria provided, single submitter. Criteria: GeneDx Variant Classification Process June 2021. Collection method: clinical testing. Allele origin: germline.
Comment: Not observed at significant frequency in large population cohorts (gnomAD); In silico analysis supports a deleterious effect on protein structure/function; Has not been previously published as pathogenic or benign to our knowledge

NM_003036.4(SKI):c.947_948delinsTA (p.Lys316Ile)

Gene: SKI (SKI proto-oncogene; plus strand). Cytogenetic location: 1p36.33.
Variant type: Indel.
Coding change: c.947_948delinsTA on transcript NM_003036.4 (MANE Select); coding-DNA positions 947 to 948, AG replaced by TA.
Protein change: p.Lys316Ile; replaces lysine 316 with isoleucine.
Molecular consequence: missense variant.
Genome position (GRCh38, 1-based): chr1:2,229,713-2,229,714, AG replaced by TA. VCF-style: chr1-2229713-AG-TA. GRCh37 (hg19) VCF-style: chr1-2161152-AG-TA.
Other names: short protein forms K316I.
Identifiers: ClinVar variation 4976384 (VCV004976384.1).